The following is an entry in ClinVar:

NM_000478.6(ALPL):c.289C>A (p.Leu97Ile)

Gene: ALPL (alkaline phosphatase, biomineralization associated; plus strand). Cytogenetic location: 1p36.12.
Variant type: single nucleotide variant.
Coding change: c.289C>A on transcript NM_000478.6 (MANE Select); coding-DNA position 289, C replaced by A.
Protein change: p.Leu97Ile; replaces leucine 97 with isoleucine.
Molecular consequence: missense variant. On other transcripts: intron variant (1).
Genome position (GRCh38, 1-based): chr1:21,561,204, C>A. VCF-style: chr1-21561204-C-A. GRCh37 (hg19) VCF-style: chr1-21887697-C-A.
Other names: c.124C>A, p.Leu42Ile (NM_001127501.4); c.289C>A, p.Leu97Ile (NM_001369803.2, NM_001369804.2, NM_001369805.2); c.66+459C>A (NM_001177520.3); short protein forms L42I, L97I.
Identifiers: ClinVar variation 2004992 (VCV002004992.4), dbSNP rs2545292498, ClinGen allele CA338878241.
Genomic context (GRCh38, chr1:21,561,204, plus strand): 5'-CTCCACCACAACCCTGGGGAGGAGACCAGGCTGGAGATGGACAAGTTCCCCTTCGTGGCC[C>A]TCTCCAAGGTGAGCCCCATCCCCAAGCCCAGTTCAGGTCTGTATATCCAGTATCCAGGTC-3'
Protein context (NP_000469.3, residues 87-107): LEMDKFPFVA[Leu97Ile]SKTYNTNAQV

ClinVar aggregate classification (germline): Uncertain significance (1 of 4 stars; one submission).

Submission:

Labcorp Genetics (formerly Invitae), Labcorp
Classification: Uncertain significance. Last evaluated: 2022-06-12. Review status: criteria provided, single submitter. Criteria: Invitae Variant Classification Sherloc (09022015). Collection method: clinical testing. Allele origin: germline.
Comment: This sequence change replaces leucine, which is neutral and non-polar, with isoleucine, which is neutral and non-polar, at codon 97 of the ALPL protein (p.Leu97Ile). This variant is not present in population databases (gnomAD no frequency). This variant has not been reported in the literature in individuals affected with ALPL-related conditions. Advanced modeling of protein sequence and biophysical properties (such as structural, functional, and spatial information, amino acid conservation, physicochemical variation, residue mobility, and thermodynamic stability) performed at Invitae indicates that this missense variant is expected to disrupt ALPL protein function. In summary, the available evidence is currently insufficient to determine the role of this variant in disease. Therefore, it has been classified as a Variant of Uncertain Significance.